The following is an entry in ClinVar:

ClinVar aggregate classification (germline): Pathogenic. Review status: reviewed by expert panel (3 of 4 stars). 58 submissions from 54 submitters: Pathogenic (1). 57 of the submissions do not count toward it. Last evaluated 2024-09-17.
ClinVar aggregate classification (somatic clinical impact): Tier II - Potential (1 of 4 stars; one submission).

Conditions:
Monogenic short stature.
Noonan syndrome and Noonan-related syndrome. Identifiers: Orphanet 98733, MedGen C5681679, MONDO:0020297.
Lymphoma. Identifiers: Orphanet 223735, MedGen C0024299, MeSH D008223, MONDO:0005062, HP:0002665.
B lymphoblastic leukemia lymphoma, no ICD-O subtype. Identifiers: MedGen C3472624.
PTPN11-related disorder. Also called: PTPN11-Related Disorders.
Hereditary cancer-predisposing syndrome. Also called: Neoplastic Syndromes, Hereditary; Tumor predisposition; Hereditary Cancer Syndrome; Hereditary neoplastic syndrome. Identifiers: Orphanet 140162, MedGen C0027672, MeSH D009386, MONDO:0015356.
Metachondromatosis (METCDS). Identifiers: Orphanet 2499, MedGen C0410530, MONDO:0007979, OMIM 156250.
Noonan syndrome 1 (NS1). Also called: TURNER PHENOTYPE WITH NORMAL KARYOTYPE; PTPN11-Related Noonan Syndrome; FEMALE PSEUDO-TURNER SYNDROME. Identifiers: Orphanet 648, MedGen C4551602, MONDO:0008104, OMIM 163950. Disease mechanism: gain of function.
LEOPARD syndrome 1 (LPRD1). Also called: LENTIGINOSIS, CARDIOMYOPATHIC; MULTIPLE LENTIGINES SYNDROME; PTPN11-Related LEOPARD Syndrome. Identifiers: Orphanet 500, MedGen C4551484, MONDO:0100082, OMIM 151100.
Juvenile myelomonocytic leukemia (JMML). Also called: LEUKEMIA, JUVENILE MYELOMONOCYTIC, SOMATIC. Identifiers: Orphanet 86834, MedGen C0349639, MONDO:0011908, OMIM 607785, HP:0012209.
RASopathy. Also called: rasopathies; Noonan spectrum disorder. Identifiers: Orphanet 536391, MedGen C5555857, MONDO:0021060.
Noonan syndrome (NS). Also called: Noonan's syndrome. Identifiers: Orphanet 648, MedGen C0028326, MeSH D009634, MONDO:0018997. Disease mechanism: gain of function.
Noonan syndrome 3 (NS3). Also called: KRAS-Related Noonan Syndrome. Identifiers: Orphanet 648, MedGen C1860991, MONDO:0012371, OMIM 609942.
Pilocytic astrocytoma. Also called: Pilocytic astrocytoma, somatic. Identifiers: Orphanet 251612, MedGen C0334583, MONDO:0016691, HP:0033680.

Allele frequency attached by ClinVar (database versions not stated): gnomAD exomes 0.00001; ExAC 0.00001; TOPMed 0.00002; gnomAD 0.00001.
gnomAD v4.1: 14 of 1,613,144 alleles (0.00087%); highest among the groups gnomAD compares: East Asian, 0.0022%; no homozygotes.

Submissions 1 to 6 of 59:

ClinGen RASopathy Variant Curation Expert Panel
Classification: Pathogenic for Noonan syndrome. Last evaluated: 2024-09-17. Review status: reviewed by expert panel. Criteria: ClinGen RASopathy ACMG Specifications PTPN11 V2.1.0. Collection method: curation. Allele origin: germline. Inheritance: Autosomal dominant inheritance.
Comment: The c.188A>G (p.Tyr63Cys) variant in PTPN11 (NM_002834.5(PTPN11):c.188A>G (p.Tyr63Cys)) has been reported in the literature in at least 6 unrelated individuals and has been found to segregate with clinical features of a RASopathy in at least 15 family members (PS4, PP1_Strong; PMID: 16498234, 12634870, 12325025, 11704759). In-vitro functional studies provide some evidence that the p.Tyr63Cys variant may impact protein function (PS3; PMID: 22711529). The variant is located in the PTPN11 gene, which has been defined by the ClinGen RASopathy Expert Panel as a gene with a low rate of benign missense variants and pathogenic missense variants are common (PP2; PMID: 29493581). Computational prediction tools and conservation analysis suggest that the p.Tyr63Cys variant may impact the protein (PP3). Furthermore, the variant is in a location that has been defined by the ClinGen RASopathy Expert Panel to be a mutational hotspot or domain of PTPN11 (PM1; PMID 29493581). In summary, this variant meets criteria to be classified as pathogenic for RASopathies in an autosomal dominant manner. Rasopathy-specific ACMG/AMP criteria applied: PP1_Strong, PS4, PS3, PM1, PP2, PP3 (Version 2.1; 09/17/2024).

PreventionGenetics, part of Exact Sciences
Classification: Pathogenic for PTPN11-related condition. Last evaluated: 2026-03-15. Review status: criteria provided, single submitter. Criteria: ACMG Guidelines, 2015. Collection method: clinical testing. Allele origin: germline. Not counted in ClinVar's aggregate classification.
Comment: The PTPN11 c.188A>G variant is predicted to result in the amino acid substitution p.Tyr63Cys. This variant has been reported in many unrelated individuals with Noonan syndrome and was found to occur de novo in several cases and segregated with disease in many families (Tartaglia et al. 2001. PubMed ID: 11704759; Maheshwari et al. 2002. PubMed ID: 12325025; Jongmans et al. 2011. PubMed ID: 21407260; Okamoto et al. 2015. PubMed ID: 25156961). Functional studies indicate that the p.Tyr63Cys variant alters the functional regulation of SHP2 protein by affecting the stability between N-SH2 and PTP domains (Martinelli et al. 2012. PubMed ID: 22711529). This variant is reported in 0.0054% of alleles in individuals of East Asian descent in gnomAD and has been classified as pathogenic by the ClinGen RASopathy Variant Curation Expert Panel (Variation ID: 13333). This variant is interpreted as pathogenic.

Labcorp Genetics (formerly Invitae), Labcorp
Classification: Pathogenic for RASopathy. Last evaluated: 2026-01-24. Review status: criteria provided, single submitter. Criteria: Invitae Variant Classification Sherloc (09022015). Collection method: clinical testing. Allele origin: germline. Not counted in ClinVar's aggregate classification.
Comment: This sequence change replaces tyrosine, which is neutral and polar, with cysteine, which is neutral and slightly polar, at codon 63 of the PTPN11 protein (p.Tyr63Cys). This variant is present in population databases (rs121918459, gnomAD 0.006%). This missense change has been observed in individuals with Noonan syndrome (PMID: 11704759, 11992261, 12325025, 12960218, 16498234, 21407260). It has also been observed to segregate with disease in related individuals. ClinVar contains an entry for this variant (Variation ID: 13333). Invitae Evidence Modeling of protein sequence and biophysical properties (such as structural, functional, and spatial information, amino acid conservation, physicochemical variation, residue mobility, and thermodynamic stability) indicates that this missense variant is expected to disrupt PTPN11 protein function with a positive predictive value of 95%. Experimental studies have shown that this missense change affects PTPN11 function (PMID: 22711529). For these reasons, this variant has been classified as Pathogenic.

Variantyx, Inc.
Classification: Pathogenic for Noonan syndrome 1. Last evaluated: 2025-12-05. Review status: criteria provided, single submitter. Criteria: Variantyx Assertion Criteria 2022. Collection method: clinical testing. Allele origin: germline. Inheritance: Autosomal dominant inheritance. Affected: yes. Not counted in ClinVar's aggregate classification.
Comment: This is a nonsynonymous variant in the PTPN11 gene (OMIM: 176876). Pathogenic variants in this gene have been associated with autosomal dominant Noonan syndrome 1. This variant has been reported in at least 15 unrelated affected individuals (PMID: 16498234, 12634870, 12325025, 11704759) (PS4_Moderate) and it has been observed to segregate with disease in at least 10¬†individuals from multiple families (PMID: 11704759, 11992261, 21407260) (PP1). Functional studies have shown that this variant alters PTPN11 protein function (PMID: 22711529) (PS3) and multiple computational algorithms predict a deleterious effect for this variant (REVEL score: 0.955) (PP3). Moreover, this variant lies within a known hotspot for pathogenic variants or a well-established critical functional domain of the PTPN11 protein (PMID: 29493581) (PM1). It has a 0.0022% maximum allele frequency in non-founder control populations. Based on the evidence, this variant is classified as pathogenic for autosomal dominant Noonan syndrome 1. Inheritance from an unaffected or mildly affected parent has been reported, consistent with incomplete penetrance and variable expressivity (PMID: 22465605, 22465605).

CeGaT Center for Human Genetics Tuebingen
Classification: Pathogenic. Last evaluated: 2025-10-01. Review status: criteria provided, single submitter. Criteria: CeGaT Center For Human Genetics Tuebingen Variant Classification Criteria Version 2. Collection method: clinical testing. Allele origin: germline. Affected: yes. Observed: 5 variant alleles. Not counted in ClinVar's aggregate classification.
Comment: PTPN11: PP1:Strong, PS2, PS4, PM1, PM2, PP2, PP3, PS3:Supporting

Genesolutions, Medical Genetics Institutes, Ho Chi Minh City, Vietnam
Classification: Pathogenic for Noonan syndrome 1. Last evaluated: 2025-09-24. Review status: criteria provided, single submitter. Criteria: ACMG Guidelines, 2015. Collection method: clinical testing. Allele origin: germline. Affected: yes. Not counted in ClinVar's aggregate classification.

NM_002834.5(PTPN11):c.188A>G (p.Tyr63Cys)

Gene: PTPN11 (protein tyrosine phosphatase non-receptor type 11; plus strand). Cytogenetic location: 12q24.13.
Variant type: single nucleotide variant.
Coding change: c.188A>G on transcript NM_002834.5 (MANE Select); coding-DNA position 188, A replaced by G.
Protein change: p.Tyr63Cys; replaces tyrosine 63 with cysteine.
Molecular consequence: missense variant.
Genome position (GRCh38, 1-based): chr12:112,450,368, A>G. VCF-style: chr12-112450368-A-G. GRCh37 (hg19) VCF-style: chr12-112888172-A-G.
Other names: NM_002834.4(PTPN11):c.188A>G; NM_002834.5(PTPN11):c.188A>G; c.188A>G (NM_001330437.1, LRG_614t1); c.188A>G, p.Tyr63Cys (NM_001330437.2, NM_080601.3); c.185A>G, p.Tyr62Cys (NM_001374625.1); short protein forms Y63C, Y62C.
Identifiers: ClinVar variation 13333 (VCV000013333.121), dbSNP rs121918459, ClinGen allele CA220146.